The following is an entry in ClinVar:

ClinVar aggregate classification (germline): Uncertain significance (1 of 4 stars; one submission).

Conditions:
PHGDH deficiency. Identifiers: Orphanet 79351, MedGen C1866174, MONDO:0011152, OMIM 601815.

Allele frequency attached by ClinVar (database versions not stated): gnomAD exomes below 0.00001.
gnomAD v4.1: 4 of 1,614,126 alleles (0.00025%); highest among the groups gnomAD compares: South Asian, 0.0044%; no homozygotes.

Submission:

Labcorp Genetics (formerly Invitae), Labcorp
Classification: Uncertain significance for PHGDH deficiency. Last evaluated: 2021-09-24. Review status: criteria provided, single submitter. Criteria: Invitae Variant Classification Sherloc (09022015). Collection method: clinical testing. Allele origin: germline.
Comment: This sequence change replaces cysteine with arginine at codon 48 of the PHGDH protein (p.Cys48Arg). The cysteine residue is weakly conserved and there is a large physicochemical difference between cysteine and arginine. This variant is not present in population databases (ExAC no frequency). This variant has not been reported in the literature in individuals with PHGDH-related conditions. Algorithms developed to predict the effect of missense changes on protein structure and function are either unavailable or do not agree on the potential impact of this missense change (SIFT: "Tolerated"; PolyPhen-2: "Probably Damaging"; Align-GVGD: "Class C0"). In summary, the available evidence is currently insufficient to determine the role of this variant in disease. Therefore, it has been classified as a Variant of Uncertain Significance.

NM_006623.4(PHGDH):c.142T>C (p.Cys48Arg)

Gene: PHGDH (phosphoglycerate dehydrogenase; plus strand). Cytogenetic location: 1p12.
Variant type: single nucleotide variant.
Coding change: c.142T>C on transcript NM_006623.4 (MANE Select); coding-DNA position 142, T replaced by C.
Protein change: p.Cys48Arg; replaces cysteine 48 with arginine.
Molecular consequence: missense variant.
Genome position (GRCh38, 1-based): chr1:119,721,173, T>C. VCF-style: chr1-119721173-T-C. GRCh37 (hg19) VCF-style: chr1-120263796-T-C.
Other names: short protein forms C48R.
Identifiers: ClinVar variation 1524690 (VCV001524690.5), dbSNP rs1296126379, ClinGen allele CA341416678.